The following is an entry in ClinVar:

ClinVar aggregate classification (germline): Conflicting classifications of pathogenicity. Review status: criteria provided, conflicting classifications (1 of 4 stars). 8 submissions from 8 submitters: Pathogenic (1); Likely pathogenic (5); Uncertain significance (1). 1 of the submissions does not count toward it. Last evaluated 2026-03-02.

Conditions:
F11-related disorders.
Plasma factor XI deficiency.
Hereditary factor XI deficiency disease. Also called: Congenital factor XI deficiency; PLASMA THROMBOPLASTIN ANTECEDENT DEFICIENCY; PTA DEFICIENCY; ROSENTHAL SYNDROME. Identifiers: Orphanet 329, MedGen C0015523, MeSH D005173, MONDO:0012897, OMIM 612416.

Allele frequency attached by ClinVar (database versions not stated): gnomAD 0.00001; gnomAD exomes 0.00002 and 0.00004; TOPMed 0.00002; ExAC 0.00008.
gnomAD v4.1: 36 of 1,614,000 alleles (0.0022%); highest among the groups gnomAD compares: Admixed American, 0.0033%; no homozygotes.

Submissions (8):

Myriad Genetics, Inc.
Classification: Likely pathogenic for Hereditary factor XI deficiency disease. Last evaluated: 2026-03-02. Review status: criteria provided, single submitter. Criteria: Myriad Autosomal Dominant, Autosomal Recessive and X-Linked Classification Criteria (2023). Collection method: clinical testing. Allele origin: unknown.
Comment: NM_000128.3(F11):c.599G>A(C200Y) is a missense variant classified as likely pathogenic in the context of factor XI deficiency. C200Y has been observed in cases with relevant disease (PMID: 31790498, 16835901, 18446632, 28748566, 41092952, Bolton-Maggs_2003_(Poster)). Relevant functional assessments of this variant are not available in the literature. C200Y has been observed in referenced population frequency databases. In summary, NM_000128.3(F11):c.599G>A(C200Y) is a missense variant that has been observed more frequently in cases with the relevant disease than in healthy populations. Please note: this variant was assessed in the context of healthy population screening.

Center for Genomic Medicine, Rigshospitalet, Copenhagen University Hospital
Classification: Likely pathogenic. Last evaluated: 2025-12-29. Review status: criteria provided, single submitter. Criteria: ACMG Guidelines, 2015. Collection method: clinical testing. Allele origin: germline.

Natera, Inc.
Classification: Likely pathogenic for Plasma factor XI deficiency. Last evaluated: 2025-11-14. Review status: criteria provided, single submitter. Criteria: Natera Variant Classification Schema (03/2026). Collection method: clinical testing. Allele origin: germline.
Comment: The c.599G>A variant in F11 is a missense variant predicted to cause substitution of cysteine to tyrosine at amino acid 200. This variant is rare in the general population with a frequency below the threshold expected for the associated phenotype(s). This variant has been observed in affected individual(s) with monoallelic occurrence (heterozygous/hemizygous) (PMID: 28748566, 18446632, 16835901). This variant has been identified in one or more affected individual with a phenotype highly consistent with the associated gene (PMID: 28748566). Computational prediction algorithms indicate this variant is likely to affect gene or protein function. Given the available evidence, this variant is classified as Likely Pathogenic.

Women's Health and Genetics/Laboratory Corporation of America, LabCorp
Classification: Pathogenic for Hereditary factor XI deficiency disease. Last evaluated: 2024-05-04. Review status: criteria provided, single submitter. Criteria: LabCorp Variant Classification Summary - May 2015. Collection method: clinical testing. Allele origin: germline.
Comment: Variant summary: F11 c.599G>A (p.Cys200Tyr) results in a non-conservative amino acid change in the Apple domain (IPR000177) encoded protein sequence. Five of five in-silico tools predict a damaging effect of the variant on protein function. The variant allele was found at a frequency of 4e-05 in 251312 control chromosomes. This frequency does not allow conclusions about variant significance. c.599G>A has been reported in the literature in individuals affected with autosomal dominant hereditary factor XI deficiency (e.g. Schlaweck_2019, Mitchell_2006, Downes_2019, Duncan_2008). To our knowledge this variant has not been reported in associated with autosomal recessive hereditary factor XI deficiency. These data indicate that the variant is likely to be associated with disease. This variant is also known as p.Cys182Tyr. The following publications have been ascertained in the context of this evaluation (PMID: 31064749, 18446632, 16835901, 31790498). ClinVar contains an entry for this variant (Variation ID: 550222). Based on the evidence outlined above, the variant was classified as pathogenic.

Department of Pathology and Laboratory Medicine, Sinai Health System
Classification: Uncertain significance for Hereditary factor XI deficiency disease. Last evaluated: 2023-11-29. Review status: criteria provided, single submitter. Criteria: ACMG Guidelines, 2015. Collection method: research. Allele origin: germline.

Blueprint Genetics
Classification: Likely pathogenic for F11-related disorders. Last evaluated: 2023-06-08. Review status: criteria provided, single submitter. Criteria: ACMG Guidelines, 2015. Collection method: clinical testing. Allele origin: germline. Affected: yes. Observed: 1 variant allele.

NIHR Bioresource Rare Diseases, University of Cambridge
Classification: Likely pathogenic for Hereditary factor XI deficiency disease. Last evaluated: 2019-02-01. Review status: criteria provided, single submitter. Criteria: ACMG Guidelines, 2015. Collection method: research. Allele origin: unknown. Affected: yes. Observed: 3 heterozygotes. Study: ThromboGenomics.

Counsyl
Classification: Uncertain significance for Hereditary factor XI deficiency disease. Last evaluated: 2017-01-05. Review status: no assertion criteria provided. Collection method: clinical testing. Allele origin: unknown. Not counted in ClinVar's aggregate classification.

Literature cited by the submitters: PubMed 31064749 (cited by 3 submitters); PubMed 28748566 (cited by Natera, Inc.); PubMed 18446632 (cited by 3 submitters); PubMed 16835901 (cited by 3 submitters); PubMed 31790498 (cited by Women's Health and Genetics/Laboratory Corporation of America, LabCorp); PubMed 15870541 (cited by Counsyl); PubMed 19652879 (cited by Counsyl).

NM_000128.4(F11):c.599G>A (p.Cys200Tyr)

Gene: F11 (coagulation factor XI; plus strand). Cytogenetic location: 4q35.2.
Variant type: single nucleotide variant.
Coding change: c.599G>A on transcript NM_000128.4 (MANE Select); coding-DNA position 599, G replaced by A.
Protein change: p.Cys200Tyr; replaces cysteine 200 with tyrosine.
Molecular consequence: missense variant.
Genome position (GRCh38, 1-based): chr4:186,276,234, G>A. VCF-style: chr4-186276234-G-A. GRCh37 (hg19) VCF-style: chr4-187197388-G-A.
Other names: short protein forms C200Y.
Identifiers: ClinVar variation 550222 (VCV000550222.12), dbSNP rs757817254, ClinGen allele CA3163732.